The following is an entry in ClinVar:

NM_001252102.2(KIF21B):c.1013A>T (p.Asn338Ile)

Gene: KIF21B (kinesin family member 21B; minus strand). Cytogenetic location: 1q32.1.
Variant type: single nucleotide variant.
Coding change: c.1013A>T on transcript NM_001252102.2 (MANE Select); coding-DNA position 1013, A replaced by T.
Protein change: p.Asn338Ile; replaces asparagine 338 with isoleucine.
Molecular consequence: missense variant.
Genome position (GRCh38, 1-based): chr1:201,004,343, T>A on the plus strand (A>T on the coding strand, the complement: KIF21B is on the minus strand). VCF-style: chr1-201004343-T-A. GRCh37 (hg19) VCF-style: chr1-200973471-T-A.
Other names: c.1013A>T, p.Asn338Ile (NM_001252100.2, NM_001252103.2, NM_017596.4); short protein forms N338I.
Identifiers: ClinVar variation 2578240 (VCV002578240.1), dbSNP rs2465224355, ClinGen allele CA344110351.

ClinVar aggregate classification (germline): Uncertain significance (1 of 4 stars; one submission).

Submission:

GeneDx
Classification: Uncertain significance. Last evaluated: 2023-03-01. Review status: criteria provided, single submitter. Criteria: GeneDx Variant Classification Process June 2021. Collection method: clinical testing. Allele origin: germline. Affected: yes.
Comment: Not observed at significant frequency in large population cohorts (gnomAD); In silico analysis supports that this missense variant has a deleterious effect on protein structure/function; Has not been previously published as pathogenic or benign to our knowledge